The following continues an entry in ClinVar:

NM_000492.4(CFTR):c.1001G>A (p.Arg334Gln)

Gene: CFTR. ClinVar aggregate classification (germline): Conflicting classifications of pathogenicity. Pathogenic (2); Likely pathogenic (16); Uncertain significance (4).

Submissions 21 to 24 of 24:

ARUP Laboratories, Molecular Genetics and Genomics, ARUP Laboratories
Classification: Likely pathogenic. Last evaluated: 2017-06-13. Review status: criteria provided, single submitter. Criteria: ARUP Molecular Germline Variant Investigation Process. Collection method: clinical testing. Allele origin: germline.
Comment: The CFTR c.1001G>A, p.Arg334Gln variant (rs397508137) has been described in the literature in individuals with atypical cystic fibrosis as well as seemingly healthy adults (Dayangac 2004, Picci 2010). However functional studies have shown this variant to cause a disruption of anion interactions with the CFTR pore (Gong 2003, Linsdell 2015, Smith 2001, Zhou 2007), resulting in reduced chloride conductance (Gong 2004). Other missense variants at this residue have also been implicated in affecting CFTR protein functions (Gong 2003, Gong 2004, Smith 2001, Sosnay 2013, Zhou 2007). The p. Arg334Gln variant is listed in ClinVar (Variation ID: 53159), and observed in the general population databases at a frequency of 0.02 percent in the 1000 Genomes Project, and 0.01 percent in the Exome Aggregation Consortium. The arginine at residue 334 is highly conserved, but computational algorithms (Align GVGD: c0; Mutation Taster: disease-causing; PolyPhen-2: probably damaging; SIFT: tolerated) are inconclusive on the variant's impact on the protein. Based on the above information, the variant is classified as likely pathogenic. References: Dayangac D et al. Mutations of the CFTR gene in Turkish patients with congenital bilateral absence of the vas deferens. Hum Reprod. 2004; 19(5):1094-100. Gong X et al. Molecular determinants and role of an anion binding site in the external mouth of the CFTR chloride channel pore. J Physiol. 2003; 549(Pt 2):387-97. Gong X et al. Maximization of the rate of chloride conduction in the CFTR channel pore by ion-ion interactions. Arch Biochem Biophys. 2004; 426(1):78-82. Linsdell P. Interactions between permeant and blocking anions inside the CFTR chloride channel pore. Biochim Biophys Acta. 2015; 1848(7):1573-90. Picci L et al. A 10-year large-scale cystic fibrosis carrier screening in the Italian population. J Cyst Fibros. 2010; 9(1):29-35. Smith S et al. CFTR: covalent and noncovalent modification suggests a role for fixed charges in anion conduction. J Gen Physiol. 2001; 118(4):407-31. Sosnay PR et al. Defining the disease liability of variants in the cystic fibrosis transmembrane conductance regulator gene. Nat Genet. 2013; 45(10):1160-7. Zhou J et al. Direct and indirect effects of mutations at the outer mouth of the cystic fibrosis transmembrane conductance regulator chloride channel pore. J Membr Biol. 2007; 216(2-3):129-42.

Illumina Laboratory Services, Illumina
Classification: Uncertain significance for CFTR-Related Disorders. Last evaluated: 2017-04-27. Review status: criteria provided, single submitter. Criteria: ICSL Variant Classification Criteria 13 December 2019. Collection method: clinical testing. Allele origin: germline.
Comment: This variant was observed as part of a predisposition screen in an ostensibly healthy population. A literature search was performed for the gene, cDNA change, and amino acid change (where applicable). Publications were found based on this search. However, the evidence from the literature, in combination with allele frequency data from public databases where available, was not sufficient to rule this variant in or out of causing disease. Therefore, this variant is classified as a variant of unknown significance.

Genome Diagnostics Laboratory, The Hospital for Sick Children
Classification: Likely pathogenic for CFTR-related disorders. Last evaluated: 2020-04-08. Review status: no assertion criteria provided. Collection method: clinical testing. Allele origin: germline. Not counted in ClinVar's aggregate classification.

Counsyl
Classification: Uncertain significance for Cystic fibrosis. Last evaluated: 2017-11-25. Review status: no assertion criteria provided. Collection method: clinical testing. Allele origin: unknown. Not counted in ClinVar's aggregate classification.

Literature cited by the submitters: PubMed 11379874 (cited by 5 submitters); PubMed 15070876 (cited by 5 submitters); PubMed 16126774 (cited by 4 submitters); PubMed 19897426 (cited by 7 submitters); PubMed 28546993 (cited by 6 submitters); PubMed 34782259 (cited by Labcorp Genetics (formerly Invitae), Labcorp and Women's Health and Genetics/Laboratory Corporation of America, LabCorp); PubMed 12679372 (cited by 4 submitters); PubMed 15130785 (cited by 3 submitters); PubMed 17673962 (cited by 4 submitters); PubMed 29805046 (cited by 6 submitters); PubMed 15371902 (cited by Labcorp Genetics (formerly Invitae), Labcorp); PubMed 23974870 (cited by Labcorp Genetics (formerly Invitae), Labcorp and Ambry Genetics); PubMed 21228398 (cited by Women's Health and Genetics/Laboratory Corporation of America, LabCorp); PubMed 20100616 (cited by 4 submitters); PubMed 22439019 (cited by Women's Health and Genetics/Laboratory Corporation of America, LabCorp); PubMed 17440499 (cited by Women's Health and Genetics/Laboratory Corporation of America, LabCorp and Counsyl); PubMed 25277268 (cited by 3 submitters); PubMed 25892339 (cited by 6 submitters); PubMed 11585852 (cited by Women's Health and Genetics/Laboratory Corporation of America, LabCorp and Counsyl); PubMed 30046002 (cited by 4 submitters); PubMed 26493493 (cited by Women's Health and Genetics/Laboratory Corporation of America, LabCorp and Ambry Genetics); PubMed 27175795 (cited by Women's Health and Genetics/Laboratory Corporation of America, LabCorp and Counsyl); PubMed 30888834 (cited by Women's Health and Genetics/Laboratory Corporation of America, LabCorp); PubMed 31916691 (cited by 4 submitters); PubMed 33572515 (cited by Women's Health and Genetics/Laboratory Corporation of America, LabCorp); PubMed 34405919 (cited by Women's Health and Genetics/Laboratory Corporation of America, LabCorp); PubMed 38388235 (cited by Women's Health and Genetics/Laboratory Corporation of America, LabCorp); PubMed 9272157 (cited by Otogenetics); PubMed 37006619 (cited by Otogenetics); PubMed 11180668 (cited by Ambry Genetics); PubMed 15880796 (cited by Ambry Genetics); PubMed 20657600 (cited by Ambry Genetics); PubMed 22658665 (cited by Ambry Genetics); PubMed 30146269 (cited by Ambry Genetics); PubMed 11427889 (cited by Counsyl).